The following is an entry in ClinVar:

NM_001351132.2(PEX5):c.847-7_861del

Gene: PEX5 (peroxisomal biogenesis factor 5; plus strand). Cytogenetic location: 12p13.31.
Variant type: Deletion.
Coding change: c.847-7_861del on transcript NM_001351132.2 (MANE Select); 7 bases into the intron before coding-DNA position 847 through coding-DNA position 861, 22 bases deleted (CTTACAGTCTGATGTCGATTTC).
Molecular consequence: splice acceptor variant. On other transcripts: intron variant (4).
Genome position (GRCh38, 1-based): chr12:7,203,425-7,203,446, CTTACAGTCTGATGTCGATTTC deleted; deleting any 22 consecutive bases within chr12:7,203,422-7,203,446 gives the same sequence; the c. name uses the placement nearest the transcript's 3' end. VCF-style (leftmost placement, unchanged base first): chr12-7203421-CTTCCTTACAGTCTGATGTCGAT-C. GRCh37 (hg19) VCF-style: chr12-7356017-CTTCCTTACAGTCTGATGTCGAT-C.
Other names: c.736-7_750del (NM_001351124.3, NM_001351126.2, NM_001374646.1 and 7 more transcripts); c.847-7_861del (NM_001131026.2, NM_001351131.2, NM_001374647.2 and 5 more transcripts); c.736-31_736-10del (NM_001374649.2, NM_001351140.2, NM_001351139.2); c.781-7_795del (NM_001351135.3, NM_001351138.2); c.892-7_906del (NM_001131023.2); c.847-31_847-10del (NM_000319.5).
Identifiers: ClinVar variation 2008279 (VCV002008279.4), dbSNP rs2540182221, ClinGen allele CA2580086293.

ClinVar aggregate classification (germline): Likely pathogenic (1 of 4 stars; one submission).

Conditions:
Peroxisome biogenesis disorder 2B (PBD2B). Identifiers: Orphanet 44, MedGen C3550234, MONDO:0008736, OMIM 202370.

Submission:

Labcorp Genetics (formerly Invitae), Labcorp
Classification: Likely pathogenic for Peroxisome biogenesis disorder 2B. Last evaluated: 2022-06-19. Review status: criteria provided, single submitter. Criteria: Invitae Variant Classification Sherloc (09022015). Collection method: clinical testing. Allele origin: germline.
Comment: In summary, the currently available evidence indicates that the variant is pathogenic, but additional data are needed to prove that conclusively. Therefore, this variant has been classified as Likely Pathogenic. Algorithms developed to predict the effect of sequence changes on RNA splicing suggest that this variant may disrupt the consensus splice site. This variant has not been reported in the literature in individuals affected with PEX5-related conditions. This variant is not present in population databases (gnomAD no frequency). This variant results in the deletion of part of exon 10 (c.847-7_861del) of the PEX5 gene. It is expected to disrupt RNA splicing. Variants that disrupt the donor or acceptor splice site typically lead to a loss of protein function (PMID: 16199547), and loss-of-function variants in PEX5 are known to be pathogenic (PMID: 18712838, 21031596).

Literature cited by the submitters: PubMed 16199547; PubMed 18712838; PubMed 21031596.